The following is an entry in ClinVar:

NM_000186.4(CFH):c.118C>T (p.Gln40Ter)

Gene: CFH (complement factor H; plus strand). Cytogenetic location: 1q31.3.
Variant type: single nucleotide variant.
Coding change: c.118C>T on transcript NM_000186.4 (MANE Select); coding-DNA position 118, C replaced by T.
Protein change: p.Gln40Ter; replaces glutamine 40 with a stop codon.
Molecular consequence: nonsense.
Genome position (GRCh38, 1-based): chr1:196,673,037, C>T. VCF-style: chr1-196673037-C-T. GRCh37 (hg19) VCF-style: chr1-196642167-C-T.
Other names: c.118C>T, p.Gln40Ter (NM_001014975.3); short protein forms Q40*.
Identifiers: ClinVar variation 4291370 (VCV004291370.1).

ClinVar aggregate classification (germline): Pathogenic (1 of 4 stars; one submission).

Conditions:
Atypical hemolytic-uremic syndrome. Identifiers: Orphanet 2134, MedGen C2931788, MONDO:0016244.

gnomAD v4.1: 1 of 1,614,010 alleles (0.000062%); highest among the groups gnomAD compares: Non-Finnish European, 0.000085%; no homozygotes.

Submission:

Genomenon, Inc
Classification: Pathogenic for Atypical hemolytic-uremic syndrome. Last evaluated: 2025-10-02. Review status: criteria provided, single submitter. Criteria: Genomenon Sequence Variant Interpretation Standards - Updated. Collection method: curation. Allele origin: germline. Affected: yes.
Comment: CFH p.Gln40Ter (c.118C>T) is a nonsense variant that introduces a premature stop codon at amino acid position 40, creating a truncated protein that is predicted to undergo nonsense-mediated mRNA decay. This variant has been observed in at least one proband affected with atypical hemolytic-uremic syndrome (PMID:30890598;23356914). It is absent or not present at a significant frequency in gnomAD. In conclusion, we classify CFH p.Gln40Ter (c.118C>T) as a pathogenic variant.

Literature cited by the submitters: PubMed 30890598; PubMed 23356914.